The following is an entry in ClinVar:

ClinVar aggregate classification (germline): Likely pathogenic (1 of 4 stars; one submission).

Conditions:
ALG6-congenital disorder of glycosylation 1C (CDG1C). Also called: CARBOHYDRATE-DEFICIENT GLYCOPROTEIN SYNDROME, TYPE V; Congenital disorder of glycosylation type 1C; CARBOHYDRATE-DEFICIENT GLYCOPROTEIN SYNDROME, TYPE I, WITH DEFICIENT GLYCOSYLATION OF DOLICHOL-LINKED OLIGOSACCHARIDE; Congenital disorder of glycosylation, type Ic; CDG Ic. Identifiers: Orphanet 79320, MedGen C2930997, MONDO:0011291, OMIM 603147.

Allele frequency attached by ClinVar (database versions not stated): gnomAD exomes below 0.00001.
gnomAD v4.1: 2 of 1,604,920 alleles (0.00012%); highest among the groups gnomAD compares: African/African-American, 0.0013%; no homozygotes.

Submission:

Labcorp Genetics (formerly Invitae), Labcorp
Classification: Likely pathogenic for ALG6-congenital disorder of glycosylation 1C. Last evaluated: 2017-11-04. Review status: criteria provided, single submitter. Criteria: Invitae Variant Classification Sherloc (09022015). Collection method: clinical testing. Allele origin: germline.
Comment: In summary, the currently available evidence indicates that the variant is pathogenic, but additional data are needed to prove that conclusively. Therefore, this variant has been classified as Likely Pathogenic. Donor and acceptor splice site variants typically lead to a loss of protein function (PMID: 16199547), and loss-of-function variants in ALG6 are known to be pathogenic (PMID: 19862844). This variant has not been reported in the literature in individuals with ALG6-related disease. This variant is not present in population databases (ExAC no frequency). This sequence change affects a donor splice site in intron 13 of the ALG6 gene. It is expected to disrupt RNA splicing and likely results in an absent or disrupted protein product.

Literature cited by the submitters: PubMed 16199547; PubMed 19862844.

NM_013339.4(ALG6):c.1127+1G>A

Gene: ALG6 (ALG6 alpha-1,3-glucosyltransferase; plus strand). Cytogenetic location: 1p31.3.
Variant type: single nucleotide variant.
Coding change: c.1127+1G>A on transcript NM_013339.4 (MANE Select); the canonical splice donor site of the intron after coding-DNA position 1127, G replaced by A.
Molecular consequence: splice donor variant.
Genome position (GRCh38, 1-based): chr1:63,428,802, G>A. VCF-style: chr1-63428802-G-A. GRCh37 (hg19) VCF-style: chr1-63894473-G-A.
Identifiers: ClinVar variation 575038 (VCV000575038.7), dbSNP rs1557597486, ClinGen allele CA340639896.